The following is an entry in ClinVar:

ClinVar aggregate classification (germline): Conflicting classifications of pathogenicity. Review status: criteria provided, conflicting classifications (1 of 4 stars). 4 submissions from 4 submitters: Uncertain significance (1); Likely benign (3). Last evaluated 2025-12-29.

Conditions:
Breast-ovarian cancer, familial, susceptibility to, 4. Identifiers: Orphanet 145, MedGen C3280345, MONDO:0013669, OMIM 614291.
Hereditary cancer-predisposing syndrome. Also called: Neoplastic Syndromes, Hereditary; Tumor predisposition; Hereditary Cancer Syndrome; Hereditary neoplastic syndrome. Identifiers: Orphanet 140162, MedGen C0027672, MeSH D009386, MONDO:0015356.

Allele frequency attached by ClinVar (database versions not stated): gnomAD exomes below 0.00001.
gnomAD v4.1: 4 of 1,533,086 alleles (0.00026%); highest among the groups gnomAD compares: Non-Finnish European, 0.00036%; no homozygotes.

Submissions (4):

Center for Genomic Medicine, Rigshospitalet, Copenhagen University Hospital
Classification: Likely benign. Last evaluated: 2025-12-29. Review status: criteria provided, single submitter. Criteria: ACMG Guidelines, 2015. Collection method: clinical testing. Allele origin: germline.

Labcorp Genetics (formerly Invitae), Labcorp
Classification: Likely benign for Breast-ovarian cancer, familial, susceptibility to, 4. Last evaluated: 2025-04-28. Review status: criteria provided, single submitter. Criteria: Invitae Variant Classification Sherloc (09022015). Collection method: clinical testing. Allele origin: germline.

Myriad Genetics, Inc.
Classification: Likely benign for Breast-ovarian cancer, familial, susceptibility to, 4. Last evaluated: 2025-02-20. Review status: criteria provided, single submitter. Criteria: Myriad Autosomal Dominant, Autosomal Recessive and X-Linked Classification Criteria (2023). Collection method: clinical testing. Allele origin: unknown.
Comment: This variant is considered likely benign. This variant is intronic and is not expected to impact mRNA splicing.

Color Diagnostics, LLC DBA Color Health
Classification: Uncertain significance for Hereditary cancer-predisposing syndrome. Last evaluated: 2019-02-04. Review status: criteria provided, single submitter. Criteria: ACMG Guidelines, 2015. Collection method: clinical testing. Allele origin: germline.

NM_002878.4(RAD51D):c.264-6C>T

Genes: RAD51L3-RFFL (RAD51L3-RFFL readthrough; minus strand), RAD51D (RAD51 paralog D; minus strand). Cytogenetic location: 17q12.
Variant type: single nucleotide variant.
Coding change: c.264-6C>T on transcript NM_002878.4 (MANE Select); 6 bases into the intron before coding-DNA position 264, C replaced by T.
Molecular consequence: intron variant.
Genome position (GRCh38, 1-based): chr17:35,107,453, G>A on the plus strand (C>T on the coding strand, the complement: RAD51D is on the minus strand). VCF-style: chr17-35107453-G-A. GRCh37 (hg19) VCF-style: chr17-33434472-G-A.
Other names: c.145-972C>T (NM_133629.3); c.324-6C>T (NM_001142571.2).
Identifiers: ClinVar variation 923113 (VCV000923113.13), dbSNP rs1567728794, ClinGen allele CA913188823.